The following is an entry in ClinVar:

ClinVar aggregate classification (germline): Pathogenic (1 of 4 stars; one submission).

Conditions:
Neurofibromatosis, type 1 (NF1). Also called: VON RECKLINGHAUSEN DISEASE; Peripheral type neurofibromatosis; NEUROFIBROMATOSIS, TYPE I, SOMATIC; Neurofibromatosis, type I. Identifiers: Orphanet 636, MedGen C0027831, MONDO:0018975, OMIM 162200. Disease mechanism: loss of function.

Submission:

Labcorp Genetics (formerly Invitae), Labcorp
Classification: Pathogenic for Neurofibromatosis, type 1. Last evaluated: 2020-08-21. Review status: criteria provided, single submitter. Criteria: Invitae Variant Classification Sherloc (09022015). Collection method: clinical testing. Allele origin: germline.
Comment: This variant is a gross deletion of the genomic region encompassing exon 1-13 of the NF1 gene, which includes the initiator codon. The 5' end of this event is unknown as it extends beyond the assayed region for this gene and therefore may encompass additional genes. The 3' boundary is likely confined to intron 13 of the NF1 gene. This is expected to result in an absent or disrupted protein product. For these reasons, this variant has been classified as Pathogenic. Loss-of-function variants in NF1 are known to be pathogenic (PMID: 10712197, 23913538). This variant has not been reported in the literature in individuals with NF1-related conditions.

Literature cited by the submitters: PubMed 10712197; PubMed 23913538.

NC_000017.10:g.(?_29422055)_(29541613_?)del

Gene: NF1 (neurofibromin 1; plus strand). Cytogenetic location: 17q11.2.
Variant type: Deletion.
Identifiers: ClinVar variation 1072076 (VCV001072076.3).